The following is an entry in ClinVar:

ClinVar aggregate classification (germline): Pathogenic (1 of 4 stars; one submission).

Submission:

Labcorp Genetics (formerly Invitae), Labcorp
Classification: Pathogenic. Last evaluated: 2023-04-23. Review status: criteria provided, single submitter. Criteria: Invitae Variant Classification Sherloc (09022015). Collection method: clinical testing. Allele origin: germline.
Comment: This variant has not been reported in the literature in individuals affected with GFM1-related conditions. For these reasons, this variant has been classified as Pathogenic. This variant is not present in population databases (gnomAD no frequency). This sequence change creates a premature translational stop signal (p.Met343Profs*2) in the GFM1 gene. It is expected to result in an absent or disrupted protein product. Loss-of-function variants in GFM1 are known to be pathogenic (PMID: 16632485, 17160893).

Literature cited by the submitters: PubMed 16632485; PubMed 17160893.

NM_024996.7(GFM1):c.1026_1027insCC (p.Met343fs)

Gene: GFM1 (G elongation factor mitochondrial 1; plus strand). Cytogenetic location: 3q25.32.
Variant type: Insertion.
Coding change: c.1026_1027insCC on transcript NM_024996.7 (MANE Select); coding-DNA positions 1026 to 1027, CC inserted.
Protein change: p.Met343fs; shifts the reading frame from methionine 343.
Molecular consequence: frameshift variant. On other transcripts: non-coding transcript variant (3).
Genome position: GRCh38 VCF-style: chr3-158654574-A-ACC. GRCh37 (hg19) VCF-style: chr3-158372363-A-ACC.
Other names: c.1083_1084insCC, p.Met362fs (NM_001308164.2, NM_001374355.1); c.1026_1027insCC, p.Met343fs (NM_001308166.2); c.909_910insCC, p.Met304fs (NM_001374356.1); c.801_802insCC, p.Met268fs (NM_001374357.1); c.567_568insCC, p.Met190fs (NM_001374358.1); c.459_460insCC, p.Met154fs (NM_001374359.1, NM_001374360.1); c.342_343insCC, p.Met115fs (NM_001374361.1); short protein forms M115fs, M154fs, M190fs, M268fs, M343fs, M304fs, M362fs.
Identifiers: ClinVar variation 2858707 (VCV002858707.3), dbSNP rs2473971757, ClinGen allele CA2739279337.
Genomic context (GRCh38, chr3:158,654,574, plus strand): 5'-CATCTCATAGATTTATATTTCTTTTATTTTAAGTGACTCAAAAGAGAAAACCAAAATCCT[A>ACC]ATGAACTCCAGTAGAGACAATTCCCACCCATTTGTAGGCCTGGCTTTTAAACTGGAGGTA-3'